The following is an entry in ClinVar:

NM_000352.6(ABCC8):c.2556+1G>A

Gene: ABCC8 (ATP binding cassette subfamily C member 8; minus strand). Cytogenetic location: 11p15.1.
Variant type: single nucleotide variant.
Coding change: c.2556+1G>A on transcript NM_000352.6 (MANE Select); the canonical splice donor site of the intron after coding-DNA position 2556, G replaced by A.
Molecular consequence: splice donor variant.
Genome position (GRCh38, 1-based): chr11:17,412,665, C>T on the plus strand (G>A on the coding strand, the complement: ABCC8 is on the minus strand). VCF-style: chr11-17412665-C-T. GRCh37 (hg19) VCF-style: chr11-17434212-C-T.
Other names: c.2553+1G>A (NM_001351297.2); c.2556+1G>A (NM_001351296.2); c.2622+1G>A (NM_001351295.2); c.2559+1G>A (NM_001287174.3).
Identifiers: ClinVar variation 370836 (VCV000370836.4), dbSNP rs749271190, ClinGen allele CA5903096.

ClinVar aggregate classification (germline): Uncertain significance. Review status: criteria provided, single submitter (1 of 4 stars). 2 submissions from 2 submitters: Uncertain significance (1). 1 of the submissions does not count toward it. Last evaluated 2023-08-16.

Conditions:
Hyperinsulinemic hypoglycemia, familial, 1 (HHF1). Also called: Persistent hyperinsulinemic hypoglycemia of infancy; Persistent Hyperinsulinemia Hypoglycemia of Infancy; NESIDIOBLASTOSIS OF PANCREAS; HYPERINSULINISM, FAMILIAL, WITH PANCREATIC NESIDIOBLASTOSIS; HYPOGLYCEMIA, HYPERINSULINEMIC, OF INFANCY. Identifiers: Orphanet 276575, Orphanet 276598, MedGen C2931832, MONDO:0009734, OMIM 256450.

Allele frequency attached by ClinVar (database versions not stated): ExAC 0.00001; gnomAD exomes 0.00001.
gnomAD v4.1: 1 of 1,610,828 alleles (0.000062%); highest among the groups gnomAD compares: Non-Finnish European, 0.000085%; no homozygotes.

Submissions (2):

Broad Center for Mendelian Genomics, Broad Institute of MIT and Harvard
Classification: Uncertain significance for Hyperinsulinemic hypoglycemia, familial, 1. Last evaluated: 2023-08-16. Review status: criteria provided, single submitter. Criteria: ACMG Guidelines, 2015. Collection method: curation. Allele origin: germline. Inheritance: Autosomal recessive inheritance.
Comment: The c.2556+1G>A variant in ABCC8 has not been previously reported in the literature in individuals with hyperinsulinemic hypoglycemia, but has been identified in 0.002% (2/110648) of European (non-Finnish) chromosomes by the Genome Aggregation Database (gnomAD; dbSNP ID: rs749271190). Although this variant has been seen in the general population in a heterozygous state, its frequency is low enough to be consistent with a recessive carrier frequency. This variant has also been reported in ClinVar (VariationID: 370836) and has been interpreted as likely pathogenic by Counsyl. This variant is located in the 3' splice region. Computational tools predict a splicing impact, though this information is not predictive enough to determine pathogenicity. This variant is adjacent to an in-frame exon and is more likely to escape nonsense mediated decay (NMD) and result in a truncated protein. In summary, the clinical significance of the c.2556+1G>A variant is uncertain. ACMG/AMP Criteria applied: PVS1_moderate, PM2_supporting (Richards 2015).

Counsyl
Classification: Likely pathogenic for Hyperinsulinemic hypoglycemia, familial, 1. Last evaluated: 2016-05-03. Review status: no assertion criteria provided. Collection method: clinical testing. Allele origin: unknown. Not counted in ClinVar's aggregate classification.